The following is an entry in ClinVar:

NM_001031679.3(MSRB3):c.244T>G (p.Cys82Gly)

Gene: MSRB3 (methionine sulfoxide reductase B3; plus strand). Cytogenetic location: 12q14.3.
Variant type: single nucleotide variant.
Coding change: c.244T>G on transcript NM_001031679.3 (MANE Select); coding-DNA position 244, T replaced by G.
Protein change: p.Cys82Gly; replaces cysteine 82 with glycine.
Molecular consequence: missense variant.
Genome position (GRCh38, 1-based): chr12:65,328,584, T>G. VCF-style: chr12-65328584-T-G. GRCh37 (hg19) VCF-style: chr12-65722364-T-G.
Other names: c.244T>G, p.Cys82Gly (NM_001193460.2, NM_001193461.2); c.265T>G, p.Cys89Gly (NM_198080.4); c.244T>G (NM_001193460.1); short protein forms C89G, C82G.
Identifiers: ClinVar variation 31055 (VCV000031055.5), dbSNP rs387907088, ClinGen allele CA129636.
Genomic context (GRCh38, chr12:65,328,584, plus strand): 5'-AGTGCCTTTGAAGGAGAATACACACATCACAAAGATCCTGGAATATATAAATGTGTTGTT[T>G]GTGGAACTCCATTGTTTAAGTAAGTATGTTGAAAACCTATAGGTATGGCTGTATCATAGA-3'
Protein context (NP_001026849.1, residues 72-92): KDPGIYKCVV[Cys82Gly]GTPLFKSETK

ClinVar aggregate classification (germline): Pathogenic/Likely pathogenic. Review status: criteria provided, multiple submitters, no conflicts (2 of 4 stars). 4 submissions from 4 submitters: Pathogenic (1); Likely pathogenic (1). 2 of the submissions do not count toward it. Last evaluated 2026-01-31.

Conditions:
Autosomal recessive nonsyndromic hearing loss 74. Identifiers: Orphanet 90636, MedGen C2239351, MONDO:0013386, OMIM 613718.
Hearing loss, autosomal recessive. Also called: Autosomal recessive nonsyndromic deafness; Rare autosomal recessive non-syndromic sensorineural deafness type DFNB; Deafness, autosomal recessive; Nonsyndromic Hearing Loss, Recessive. Identifiers: Orphanet 90635, Orphanet 90636, MedGen C1846647, MONDO:0019588, OMIM 607197.

Allele frequency attached by ClinVar (database versions not stated): ExAC 0.00002; gnomAD exomes 0.00001.
gnomAD v4.1: 20 of 1,612,040 alleles (0.0012%); highest among the groups gnomAD compares: South Asian, 0.022%; no homozygotes.

Submissions (4):

Human Molecular Genetics Lab, University of Swat
Classification: Likely pathogenic for Autosomal recessive nonsyndromic hearing loss 74. Last evaluated: 2026-01-31. Review status: criteria provided, single submitter. Criteria: ACMG Guidelines, 2015. Collection method: research. Allele origin: germline. Inheritance: Autosomal recessive inheritance. Affected: yes. Observed: 1 variant allele, 1 homozygote.
Comment: This variant has been identified in a consanguineous Pakistani family consisting of three affected individuals along with their parents and normal siblings and is absent in data bases consist of genomic data from normal individuals. The variant perfectly segregates with the disease phenotype within the family, where all the affected individuals were homozygous for the variant while their parents and normal sibling were heterozygous carrier for the variant.

Neuberg Centre For Genomic Medicine, NCGM
Classification: Pathogenic for Autosomal recessive nonsyndromic hearing loss 74. Review status: criteria provided, single submitter. Criteria: ACMG Guidelines, 2015. Collection method: clinical testing. Allele origin: germline. Inheritance: Autosomal recessive inheritance. Affected: yes.

OMIM
Classification: Pathogenic for DEAFNESS, AUTOSOMAL RECESSIVE 74. Last evaluated: 2011-01-07. Review status: no assertion criteria provided. Collection method: literature only. Allele origin: germline. Not counted in ClinVar's aggregate classification.

University of Washington Center for Mendelian Genomics, University of Washington
Classification: Likely pathogenic for non-syndromic autosomal recessive hearing loss. Review status: no assertion criteria provided. Collection method: research. Allele origin: inherited. Affected: yes. Not counted in ClinVar's aggregate classification.

Literature cited by the submitters: PMC PMC6709533 (cited by Human Molecular Genetics Lab, University of Swat); PubMed 21185009 (cited by OMIM); PubMed 19650862 (cited by OMIM); PubMed 30303587 (cited by University of Washington Center for Mendelian Genomics, University of Washington).